The following is an entry in ClinVar:

NM_212482.4(FN1):c.1385C>G (p.Pro462Arg)

Genes: FN1 (fibronectin 1; minus strand), LOC126806498 (CDK7 strongly-dependent group 2 enhancer GRCh37_chr2:216288045-216289244; plus strand). Cytogenetic location: 2q35.
Variant type: single nucleotide variant.
Coding change: c.1385C>G on transcript NM_212482.4 (MANE Select); coding-DNA position 1385, C replaced by G.
Protein change: p.Pro462Arg; replaces proline 462 with arginine.
Molecular consequence: missense variant.
Genome position (GRCh38, 1-based): chr2:215,423,358, G>C on the plus strand (C>G on the coding strand, the complement: FN1 is on the minus strand). VCF-style: chr2-215423358-G-C. GRCh37 (hg19) VCF-style: chr2-216288081-G-C.
Other names: c.1385C>G, p.Pro462Arg (NM_001306129.2, NM_001306130.2, NM_001306131.2 and 14 more transcripts); short protein forms P462R.
Identifiers: ClinVar variation 1715734 (VCV001715734.6), dbSNP rs2470364153, ClinGen allele CA350469973.

ClinVar aggregate classification (germline): Uncertain significance (1 of 4 stars; one submission).

Submission:

Labcorp Genetics (formerly Invitae), Labcorp
Classification: Uncertain significance. Last evaluated: 2022-08-19. Review status: criteria provided, single submitter. Criteria: Invitae Variant Classification Sherloc (09022015). Collection method: clinical testing. Allele origin: germline.
Comment: This sequence change replaces proline, which is neutral and non-polar, with arginine, which is basic and polar, at codon 462 of the FN1 protein (p.Pro462Arg). This variant is not present in population databases (gnomAD no frequency). This variant has not been reported in the literature in individuals affected with FN1-related conditions. Algorithms developed to predict the effect of missense changes on protein structure and function are either unavailable or do not agree on the potential impact of this missense change (SIFT: "Not Available"; PolyPhen-2: "Probably Damaging"; Align-GVGD: "Not Available"). In summary, the available evidence is currently insufficient to determine the role of this variant in disease. Therefore, it has been classified as a Variant of Uncertain Significance.